The following is an entry in ClinVar:

ClinVar aggregate classification (germline): Uncertain significance. Review status: criteria provided, multiple submitters, no conflicts (2 of 4 stars). 7 submissions from 7 submitters: Uncertain significance (7). Last evaluated 2026-06-25.

Conditions:
INVS-related disorder. Also called: INVS-related condition.
Inborn genetic diseases. Identifiers: MedGen C0950123, MeSH D030342.
Nephronophthisis. Also called: Juvenile Nephronophthisis. Identifiers: Orphanet 655, MedGen C0687120, MONDO:0019005, HP:0000090.
Infantile nephronophthisis (NPHP2). Also called: Nephronophthisis 2, infantile; Nephronophthisis 2. Identifiers: Orphanet 655, Orphanet 93591, MedGen C1865872, MONDO:0011190, OMIM 602088.

Allele frequency attached by ClinVar (database versions not stated): gnomAD 0.00003 and 0.00004; gnomAD exomes 0.00005 and 0.00007; TOPMed 0.00005; ExAC 0.00007.
gnomAD v4.1: 109 of 1,613,824 alleles (0.0068%); highest among the groups gnomAD compares: Non-Finnish European, 0.0081%; no homozygotes.

Submissions (7):

PreventionGenetics, part of Exact Sciences
Classification: Uncertain significance for INVS-related condition. Last evaluated: 2026-06-25. Review status: criteria provided, single submitter. Criteria: ACMG Guidelines, 2015. Collection method: clinical testing. Allele origin: germline.
Comment: The INVS c.1727G>A variant is predicted to result in the amino acid substitution p.Arg576Gln. To our knowledge, this variant has not been reported in the literature. This variant is reported in 0.0085% of alleles in individuals of European (Non-Finnish) descent in gnomAD. At this time, the clinical significance of this variant is uncertain due to the absence of conclusive functional and genetic evidence.

Women's Health and Genetics/Laboratory Corporation of America, LabCorp
Classification: Uncertain significance. Last evaluated: 2024-05-15. Review status: criteria provided, single submitter. Criteria: LabCorp Variant Classification Summary - May 2015. Collection method: clinical testing. Allele origin: germline.
Comment: Variant summary: INVS c.1727G>A (p.Arg576Gln) results in a conservative amino acid change in the encoded protein sequence. Four of five in-silico tools predict a benign effect of the variant on protein function. The variant allele was found at a frequency of 4.8e-05 in 251456 control chromosomes. To our knowledge, no occurrence of c.1727G>A in individuals affected with Infantile Nephronophthisis and no experimental evidence demonstrating its impact on protein function have been reported. ClinVar contains an entry for this variant (Variation ID: 594062). Based on the evidence outlined above, the variant was classified as uncertain significance.

Ambry Genetics
Classification: Uncertain significance for Inborn genetic diseases. Last evaluated: 2023-05-24. Review status: criteria provided, single submitter. Criteria: Ambry Variant Classification Scheme 2023. Collection method: clinical testing. Allele origin: germline.

GeneDx
Classification: Uncertain significance. Last evaluated: 2023-01-31. Review status: criteria provided, single submitter. Criteria: GeneDx Variant Classification Process June 2021. Collection method: clinical testing. Allele origin: germline.
Comment: In silico analysis supports that this missense variant does not alter protein structure/function; Has not been previously published as pathogenic or benign to our knowledge

Labcorp Genetics (formerly Invitae), Labcorp
Classification: Uncertain significance for Nephronophthisis. Last evaluated: 2022-10-17. Review status: criteria provided, single submitter. Criteria: Invitae Variant Classification Sherloc (09022015). Collection method: clinical testing. Allele origin: germline.
Comment: This sequence change replaces arginine, which is basic and polar, with glutamine, which is neutral and polar, at codon 576 of the INVS protein (p.Arg576Gln). This variant is present in population databases (rs758506682, gnomAD 0.007%). This variant has not been reported in the literature in individuals affected with INVS-related conditions. ClinVar contains an entry for this variant (Variation ID: 594062). Algorithms developed to predict the effect of missense changes on protein structure and function output the following: SIFT: "Tolerated"; PolyPhen-2: "Benign"; Align-GVGD: "Class C0". The glutamine amino acid residue is found in multiple mammalian species, which suggests that this missense change does not adversely affect protein function. In summary, the available evidence is currently insufficient to determine the role of this variant in disease. Therefore, it has been classified as a Variant of Uncertain Significance.

Fulgent Genetics
Classification: Uncertain significance for Infantile nephronophthisis. Last evaluated: 2021-09-09. Review status: criteria provided, single submitter. Criteria: ACMG Guidelines, 2015. Collection method: clinical testing. Allele origin: unknown.

Eurofins Ntd Llc (ga)
Classification: Uncertain significance. Last evaluated: 2017-09-13. Review status: criteria provided, single submitter. Criteria: EGL Classification Definitions 2015. Collection method: clinical testing. Allele origin: germline. Observed: 2 variant alleles, 2 heterozygotes.

NM_014425.5(INVS):c.1727G>A (p.Arg576Gln)

Gene: INVS (inversin; plus strand). Cytogenetic location: 9q31.1.
Variant type: single nucleotide variant.
Coding change: c.1727G>A on transcript NM_014425.5 (MANE Select); coding-DNA position 1727, G replaced by A.
Protein change: p.Arg576Gln; replaces arginine 576 with glutamine.
Molecular consequence: missense variant. On other transcripts: non-coding transcript variant (1).
Genome position (GRCh38, 1-based): chr9:100,273,019, G>A. VCF-style: chr9-100273019-G-A. GRCh37 (hg19) VCF-style: chr9-103035301-G-A.
Other names: c.1439G>A, p.Arg480Gln (NM_001318381.2); c.749G>A, p.Arg250Gln (NM_001318382.2); c.1727G>A (NM_014425.2, NM_014425.4); short protein forms R576Q, R250Q, R480Q.
Identifiers: ClinVar variation 594062 (VCV000594062.16), dbSNP rs758506682, ClinGen allele CA5158471.